The following is an entry in ClinVar:

ClinVar aggregate classification (germline): Uncertain significance. Review status: criteria provided, multiple submitters, no conflicts (2 of 4 stars). 4 submissions from 4 submitters: Uncertain significance (4). Last evaluated 2024-11-28.

Conditions:
TWNK-related disorder. Also called: TWNK-related condition.

Allele frequency attached by ClinVar (database versions not stated): gnomAD 0.00001; TOPMed 0.00002.
gnomAD v4.1: 3 of 1,613,872 alleles (0.00019%); highest among the groups gnomAD compares: African/African-American, 0.0027%; no homozygotes.

Submissions (4):

PreventionGenetics, part of Exact Sciences
Classification: Uncertain significance for TWNK-related condition. Last evaluated: 2024-11-28. Review status: criteria provided, single submitter. Criteria: ACMG Guidelines, 2015. Collection method: clinical testing. Allele origin: germline.
Comment: The TWNK c.1510G>A variant is predicted to result in the amino acid substitution p.Ala504Thr. This variant has been reported in an individual with progressive external ophthalmoplegia (Eliyan et al. 2023. PubMed ID: 37316776). This variant is reported in 0.011% of alleles in individuals of African descent in gnomAD. At this time, the clinical significance of this variant is uncertain due to the absence of conclusive functional and genetic evidence.

Labcorp Genetics (formerly Invitae), Labcorp
Classification: Uncertain significance. Last evaluated: 2022-10-03. Review status: criteria provided, single submitter. Criteria: Invitae Variant Classification Sherloc (09022015). Collection method: clinical testing. Allele origin: germline.
Comment: In summary, the available evidence is currently insufficient to determine the role of this variant in disease. Therefore, it has been classified as a Variant of Uncertain Significance. Advanced modeling of protein sequence and biophysical properties (such as structural, functional, and spatial information, amino acid conservation, physicochemical variation, residue mobility, and thermodynamic stability) performed at Invitae indicates that this missense variant is expected to disrupt TWNK protein function. ClinVar contains an entry for this variant (Variation ID: 214188). This variant has not been reported in the literature in individuals affected with TWNK-related conditions. The frequency data for this variant in the population databases is considered unreliable, as metrics indicate poor data quality at this position in the gnomAD database. This sequence change replaces alanine, which is neutral and non-polar, with threonine, which is neutral and polar, at codon 504 of the TWNK protein (p.Ala504Thr).

GeneDx
Classification: Uncertain significance. Last evaluated: 2021-03-17. Review status: criteria provided, single submitter. Criteria: GeneDx Variant Classification Process June 2021. Collection method: clinical testing. Allele origin: germline. Affected: yes.
Comment: Not observed at a significant frequency in large population cohorts (Lek et al., 2016); In silico analysis supports that this missense variant has a deleterious effect on protein structure/function; Has not been previously published as pathogenic or benign to our knowledge

Athena Diagnostics
Classification: Uncertain significance. Last evaluated: 2017-12-29. Review status: criteria provided, single submitter. Criteria: Athena Diagnostics Criteria. Collection method: clinical testing. Allele origin: germline.

NM_021830.5(TWNK):c.1510G>A (p.Ala504Thr)

Gene: TWNK (twinkle mtDNA helicase; plus strand). Cytogenetic location: 10q24.31.
Variant type: single nucleotide variant.
Coding change: c.1510G>A on transcript NM_021830.5 (MANE Select); coding-DNA position 1510, G replaced by A.
Protein change: p.Ala504Thr; replaces alanine 504 with threonine.
Molecular consequence: missense variant. On other transcripts: non-coding transcript variant (5).
Genome position (GRCh38, 1-based): chr10:100,990,461, G>A. VCF-style: chr10-100990461-G-A. GRCh37 (hg19) VCF-style: chr10-102750218-G-A.
Other names: p.A504T:GCA>ACA; c.1510G>A, p.Ala504Thr (NM_001163812.2); c.148G>A, p.Ala50Thr (NM_001163813.2, NM_001163814.2, NM_001368275.1); short protein forms A504T, A50T.
Identifiers: ClinVar variation 214188 (VCV000214188.10), dbSNP rs863223923, ClinGen allele CA324306.